The following is an entry in ClinVar:

ClinVar aggregate classification (germline): Uncertain significance. Review status: criteria provided, multiple submitters, no conflicts (2 of 4 stars). 2 submissions from 2 submitters: Uncertain significance (2). Last evaluated 2025-07-24.

Conditions:
PLXNA4-related disorder. Also called: PLXNA4-related condition.

Allele frequency attached by ClinVar (database versions not stated): ExAC 0.00004; TOPMed 0.00004; gnomAD 0.00006; ESP Exome Variant Server 0.00008; 1000 Genomes Project 30x 0.00016; 1000 Genomes Project 0.00020.
gnomAD v4.1: 95 of 1,614,128 alleles (0.0059%); highest among the groups gnomAD compares: Non-Finnish European, 0.0068%; no homozygotes.

Submissions (2):

PreventionGenetics, part of Exact Sciences
Classification: Uncertain significance for PLXNA4-related condition. Last evaluated: 2025-07-24. Review status: criteria provided, single submitter. Criteria: ACMG Guidelines, 2015. Collection method: clinical testing. Allele origin: germline.
Comment: The PLXNA4 c.1613G>A variant is predicted to result in the amino acid substitution p.Arg538Gln. To our knowledge, this variant has not been reported in the literature. This variant is reported in 0.0086% of alleles in individuals of European (Non-Finnish) descent in gnomAD. At this time, the clinical significance of this variant is uncertain due to the absence of conclusive functional and genetic evidence.

Ambry Genetics
Classification: Uncertain significance. Last evaluated: 2025-05-06. Review status: criteria provided, single submitter. Criteria: Ambry Variant Classification Scheme 2023. Collection method: clinical testing. Allele origin: germline.

NM_020911.2(PLXNA4):c.1613G>A (p.Arg538Gln)

Gene: PLXNA4 (plexin A4; minus strand). Cytogenetic location: 7q32.3.
Variant type: single nucleotide variant.
Coding change: c.1613G>A on transcript NM_020911.2 (MANE Select); coding-DNA position 1613, G replaced by A.
Protein change: p.Arg538Gln; replaces arginine 538 with glutamine.
Molecular consequence: missense variant.
Genome position (GRCh38, 1-based): chr7:132,228,461, C>T on the plus strand (G>A on the coding strand, the complement: PLXNA4 is on the minus strand). VCF-style: chr7-132228461-C-T. GRCh37 (hg19) VCF-style: chr7-131913220-C-T.
Other names: c.1613G>A, p.Arg538Gln (NM_001393897.1); short protein forms R538Q.
Identifiers: ClinVar variation 2463265 (VCV002463265.5), dbSNP rs371929100, ClinGen allele CA4490068.